The following is an entry in ClinVar:

NM_001369268.1(ACAN):c.2227G>C (p.Glu743Gln)

Gene: ACAN (aggrecan; plus strand). Cytogenetic location: 15q26.1.
Variant type: single nucleotide variant.
Coding change: c.2227G>C on transcript NM_001369268.1 (MANE Select); coding-DNA position 2227, G replaced by C.
Protein change: p.Glu743Gln; replaces glutamic acid 743 with glutamine.
Molecular consequence: missense variant.
Genome position (GRCh38, 1-based): chr15:88,851,994, G>C. VCF-style: chr15-88851994-G-C. GRCh37 (hg19) VCF-style: chr15-89395225-G-C.
Other names: c.2227G>C, p.Glu743Gln (NM_001135.4, NM_001411096.1, NM_001411097.1 and 1 more transcripts); short protein forms E743Q.
Identifiers: ClinVar variation 4766012 (VCV004766012.1).

ClinVar aggregate classification (germline): Uncertain significance (1 of 4 stars; one submission).

gnomAD v4.1: 9 of 1,610,542 alleles (0.00056%); highest among the groups gnomAD compares: East Asian, 0.018%; no homozygotes.

Submission:

Labcorp Genetics (formerly Invitae), Labcorp
Classification: Uncertain significance. Last evaluated: 2025-06-22. Review status: criteria provided, single submitter. Criteria: Invitae Variant Classification Sherloc (09022015). Collection method: clinical testing. Allele origin: germline.
Comment: This sequence change replaces glutamic acid, which is acidic and polar, with glutamine, which is neutral and polar, at codon 743 of the ACAN protein (p.Glu743Gln). This variant is present in population databases (rs751115587, gnomAD 0.02%). This variant has not been reported in the literature in individuals affected with ACAN-related conditions. Invitae Evidence Modeling of protein sequence and biophysical properties (such as structural, functional, and spatial information, amino acid conservation, physicochemical variation, residue mobility, and thermodynamic stability) indicates that this missense variant is not expected to disrupt ACAN protein function with a negative predictive value of 80%. In summary, the available evidence is currently insufficient to determine the role of this variant in disease. Therefore, it has been classified as a Variant of Uncertain Significance.